The following is an entry in ClinVar:

NM_001737.5(C9):c.624C>T (p.Gly208=)

Gene: C9 (complement C9; minus strand). Cytogenetic location: 5p13.1.
Variant type: single nucleotide variant.
Coding change: c.624C>T on transcript NM_001737.5 (MANE Select); coding-DNA position 624, C replaced by T.
Protein change: p.Gly208=; no amino-acid change (glycine 208 retained).
Molecular consequence: synonymous variant.
Genome position (GRCh38, 1-based): chr5:39,316,021, G>A on the plus strand (C>T on the coding strand, the complement: C9 is on the minus strand). VCF-style: chr5-39316021-G-A. GRCh37 (hg19) VCF-style: chr5-39316123-G-A.
Other names: c.624C>T (NM_001737.4).
Identifiers: ClinVar variation 1665783 (VCV001665783.10), dbSNP rs139000312, ClinGen allele CA3246931.

ClinVar aggregate classification (germline): Likely benign. Review status: criteria provided, multiple submitters, no conflicts (2 of 4 stars). 3 submissions from 3 submitters: Likely benign (2). 1 of the submissions does not count toward it. Last evaluated 2026-01-02.

Conditions:
C9-related disorder. Also called: C9-related condition.

Allele frequency attached by ClinVar (database versions not stated): 1000 Genomes Project 30x 0.00047; 1000 Genomes Project 0.00060.
gnomAD v4.1: 273 of 1,610,942 alleles (0.017%); highest among the groups gnomAD compares: South Asian, 0.18%; 2 homozygotes.

Submissions (3):

Labcorp Genetics (formerly Invitae), Labcorp
Classification: Likely benign. Last evaluated: 2026-01-02. Review status: criteria provided, single submitter. Criteria: Invitae Variant Classification Sherloc (09022015). Collection method: clinical testing. Allele origin: germline.

Blueprint Genetics
Classification: Likely benign. Last evaluated: 2024-03-05. Review status: criteria provided, single submitter. Criteria: ACMG Guidelines, 2015. Collection method: clinical testing. Allele origin: germline.

PreventionGenetics, part of Exact Sciences
Classification: Likely benign for C9-related condition. Last evaluated: 2024-08-12. Review status: no assertion criteria provided. Collection method: clinical testing. Allele origin: germline. Not counted in ClinVar's aggregate classification.
Comment: This variant is classified as likely benign based on ACMG/AMP sequence variant interpretation guidelines (Richards et al. 2015 PMID: 25741868, with internal and published modifications).